The following is an entry in ClinVar:

ClinVar aggregate classification (germline): Uncertain significance. Review status: criteria provided, multiple submitters, no conflicts (2 of 4 stars). 4 submissions from 4 submitters: Uncertain significance (3). 1 of the submissions does not count toward it. Last evaluated 2024-11-05.

Conditions:
CFTR-related disorder (CFTR-RD). Also called: CFTR-related disorders; CFTR-related condition. Identifiers: MedGen C5924204, MONDO:7770004.
Cystic fibrosis (CF). Also called: MUCOVISCIDOSIS. Identifiers: Orphanet 586, MedGen C0010674, MONDO:0009061, OMIM 219700. Disease mechanism: loss of function.

Allele frequency attached by ClinVar (database versions not stated): gnomAD exomes below 0.00001; ExAC 0.00001; TOPMed 0.00002.
gnomAD v4.1: 2 of 1,594,534 alleles (0.00013%); highest among the groups gnomAD compares: Admixed American, 0.0017%; no homozygotes.

Submissions (4):

Ambry Genetics
Classification: Uncertain significance for Cystic fibrosis. Last evaluated: 2024-11-05. Review status: criteria provided, single submitter. Criteria: Ambry Variant Classification Scheme 2023. Collection method: clinical testing. Allele origin: germline.
Comment: The p.D984N variant (also known as c.2950G>A), located in coding exon 18 of the CFTR gene, results from a G to A substitution at nucleotide position 2950. The aspartic acid at codon 984 is replaced by asparagine, an amino acid with highly similar properties. This amino acid position is highly conserved in available vertebrate species. In addition, the in silico prediction for this alteration is inconclusive. Based on the available evidence, the clinical significance of this variant remains unclear.

Women's Health and Genetics/Laboratory Corporation of America, LabCorp
Classification: Uncertain significance. Last evaluated: 2024-05-29. Review status: criteria provided, single submitter. Criteria: LabCorp Variant Classification Summary - May 2015. Collection method: clinical testing. Allele origin: germline.
Comment: Variant summary: CFTR c.2950G>A (p.Asp984Asn) results in a conservative amino acid change located in the ABC transporter type 1, transmembrane domain (IPR011527) of the encoded protein sequence. Four of five in-silico tools predict a damaging effect of the variant on protein function. The variant allele was found at a frequency of 4e-06 in 251180 control chromosomes (gnomAD). The available data on variant occurrences in the general population are insufficient to allow any conclusion about variant significance. c.2950G>A has been reported in the literature in individuals affected with clinical features of cystic fibrosis and pancreatic ductal adenocarcinoma (examples: Zhang_2022, Yin_2022). These report(s) do not provide unequivocal conclusions about association of the variant with Cystic Fibrosis. To our knowledge, no experimental evidence demonstrating an impact on protein function has been reported. The following publications have been ascertained in the context of this evaluation (PMID: 35171259, 35894192). ClinVar contains an entry for this variant (Variation ID: 1009391). Based on the evidence outlined above, the variant was classified as uncertain significance.

Labcorp Genetics (formerly Invitae), Labcorp
Classification: Uncertain significance for Cystic fibrosis. Last evaluated: 2022-01-07. Review status: criteria provided, single submitter. Criteria: Invitae Variant Classification Sherloc (09022015). Collection method: clinical testing. Allele origin: germline.
Comment: This sequence change replaces aspartic acid, which is acidic and polar, with asparagine, which is neutral and polar, at codon 984 of the CFTR protein (p.Asp984Asn). This variant is present in population databases (rs764644021, gnomAD 0.003%). This variant has not been reported in the literature in individuals affected with CFTR-related conditions. ClinVar contains an entry for this variant (Variation ID: 1009391). Algorithms developed to predict the effect of missense changes on protein structure and function are either unavailable or do not agree on the potential impact of this missense change (SIFT: "Deleterious"; PolyPhen-2: "Probably Damaging"; Align-GVGD: "Class C15"). In summary, the available evidence is currently insufficient to determine the role of this variant in disease. Therefore, it has been classified as a Variant of Uncertain Significance.

Natera, Inc.
Classification: Uncertain significance for CFTR-related disorders. Last evaluated: 2018-09-28. Review status: no assertion criteria provided. Collection method: clinical testing. Allele origin: germline. Not counted in ClinVar's aggregate classification.

Literature cited by the submitters: PubMed 35171259 (cited by Women's Health and Genetics/Laboratory Corporation of America, LabCorp); PubMed 35894192 (cited by Women's Health and Genetics/Laboratory Corporation of America, LabCorp).

NM_000492.4(CFTR):c.2950G>A (p.Asp984Asn)

Genes: CFTR (CF transmembrane conductance regulator; plus strand), CFTR-AS2 (CFTR antisense RNA 2; minus strand). Cytogenetic location: 7q31.2.
Variant type: single nucleotide variant.
Coding change: c.2950G>A on transcript NM_000492.4 (MANE Select); coding-DNA position 2950, G replaced by A.
Protein change: p.Asp984Asn; replaces aspartic acid 984 with asparagine.
Molecular consequence: missense variant.
Genome position (GRCh38, 1-based): chr7:117,606,715, G>A. VCF-style: chr7-117606715-G-A. GRCh37 (hg19) VCF-style: chr7-117246769-G-A.
Other names: c.2950G>A (NM_000492.3); short protein forms D984N.
Identifiers: ClinVar variation 1009391 (VCV001009391.9), dbSNP rs764644021, ClinGen allele CA4451333.